The following is an entry in ClinVar:

NM_178452.6(DNAAF1):c.2069C>T (p.Pro690Leu)

Gene: DNAAF1 (dynein axonemal assembly factor 1; plus strand). Cytogenetic location: 16q24.1.
Variant type: single nucleotide variant.
Coding change: c.2069C>T on transcript NM_178452.6 (MANE Select); coding-DNA position 2069, C replaced by T.
Protein change: p.Pro690Leu; replaces proline 690 with leucine.
Molecular consequence: missense variant.
Genome position (GRCh38, 1-based): chr16:84,177,732, C>T. VCF-style: chr16-84177732-C-T. GRCh37 (hg19) VCF-style: chr16-84211338-C-T.
Other names: c.1361C>T, p.Pro454Leu (NM_001318756.1); short protein forms P454L, P690L.
Identifiers: ClinVar variation 4742195 (VCV004742195.1).

ClinVar aggregate classification (germline): Uncertain significance (1 of 4 stars; one submission).

Conditions:
Primary ciliary dyskinesia. Also called: Ciliary dyskinesia. Identifiers: Orphanet 244, MedGen C0008780, MONDO:0016575, HP:0012265.

gnomAD v4.1: 25 of 1,613,484 alleles (0.0015%); highest among the groups gnomAD compares: South Asian, 0.0066%; no homozygotes.

Submission:

Labcorp Genetics (formerly Invitae), Labcorp
Classification: Uncertain significance for Primary ciliary dyskinesia. Last evaluated: 2025-03-27. Review status: criteria provided, single submitter. Criteria: Invitae Variant Classification Sherloc (09022015). Collection method: clinical testing. Allele origin: germline.
Comment: This sequence change replaces proline, which is neutral and non-polar, with leucine, which is neutral and non-polar, at codon 690 of the DNAAF1 protein (p.Pro690Leu). This variant is present in population databases (no rsID available, gnomAD 0.01%). This variant has not been reported in the literature in individuals affected with DNAAF1-related conditions. An algorithm developed to predict the effect of missense changes on protein structure and function (PolyPhen-2) suggests that this variant is likely to be tolerated. In summary, the available evidence is currently insufficient to determine the role of this variant in disease. Therefore, it has been classified as a Variant of Uncertain Significance.